The following is an entry in ClinVar:

ClinVar aggregate classification (germline): Uncertain significance (1 of 4 stars; one submission).

Submission:

ISCA Site 6
Classification: Uncertain significance. Last evaluated: 2011-08-12. Review status: criteria provided, single submitter. Criteria: Kaminsky et al. (Genet Med. 2011). Collection method: clinical testing. Allele origin: paternal. Affected: yes. Observed: 1 variant allele.
Comment: Copy number variation identified through the course of routine clinical cytogenomic testing in postnatal populations. Clinical assertions have been curated as described in Kaminsky et al. 2011.

GRCh38/hg38 15q11.2(chr15:22632213-23066575)x1

Genes: CYFIP1 (cytoplasmic FMR1 interacting protein 1; minus strand), NIPA1 (NIPA magnesium transporter 1; plus strand), NIPA2 (NIPA magnesium transporter 2; plus strand), TUBGCP5 (tubulin gamma complex component 5; minus strand), LOC112272575 (Sharpr-MPRA regulatory region 8478; plus strand) and 15 more. Cytogenetic location: 15q11.2.
Variant type: copy number loss.
Change: copy number 1 (one copy instead of two) of chr15:22,632,213-23,066,575 (434.4 kb, GRCh38 coordinates, 1-based), cytogenetic band 15q11.2.
Identifiers: ClinVar variation 57531 (VCV000057531.2).